The following is an entry in ClinVar:

NM_145207.3(AFG2A):c.954C>A (p.Cys318Ter)

Gene: AFG2A (AAA ATPase AFG2A; plus strand). Cytogenetic location: 4q28.1.
Variant type: single nucleotide variant.
Coding change: c.954C>A on transcript NM_145207.3 (MANE Select); coding-DNA position 954, C replaced by A.
Protein change: p.Cys318Ter; replaces cysteine 318 with a stop codon.
Molecular consequence: nonsense.
Genome position (GRCh38, 1-based): chr4:122,934,545, C>A. VCF-style: chr4-122934545-C-A. GRCh37 (hg19) VCF-style: chr4-123855700-C-A.
Other names: c.951C>A, p.Cys317Ter (NM_001317799.2, NM_001345856.2); short protein forms C317*, C318*.
Identifiers: ClinVar variation 3752511 (VCV003752511.2).

ClinVar aggregate classification (germline): Pathogenic (1 of 4 stars; one submission).

Conditions:
Microcephaly-intellectual disability-sensorineural hearing loss-epilepsy-abnormal muscle tone syndrome (NEDHSB). Also called: NEURODEVELOPMENTAL DISORDER WITH HEARING LOSS, SEIZURES, AND BRAIN ABNORMALITIES. Identifiers: Orphanet 457351, MedGen C4225276, MONDO:0014698, OMIM 616577.

Submission:

Labcorp Genetics (formerly Invitae), Labcorp
Classification: Pathogenic for Microcephaly-intellectual disability-sensorineural hearing loss-epilepsy-abnormal muscle tone syndrome. Last evaluated: 2025-01-16. Review status: criteria provided, single submitter. Criteria: Invitae Variant Classification Sherloc (09022015). Collection method: clinical testing. Allele origin: germline.
Comment: This sequence change creates a premature translational stop signal (p.Cys318*) in the SPATA5 gene. It is expected to result in an absent or disrupted protein product. Loss-of-function variants in SPATA5 are known to be pathogenic (PMID: 26299366). This variant is not present in population databases (gnomAD no frequency). This variant has not been reported in the literature in individuals affected with SPATA5-related conditions. For these reasons, this variant has been classified as Pathogenic.

Literature cited by the submitters: PubMed 26299366.